The following is an entry in ClinVar:

NM_001035.3(RYR2):c.44G>C (p.Arg15Pro)

Gene: RYR2 (ryanodine receptor 2; plus strand). Cytogenetic location: 1q43.
Variant type: single nucleotide variant.
Coding change: c.44G>C on transcript NM_001035.3 (MANE Select); coding-DNA position 44, G replaced by C.
Protein change: p.Arg15Pro; replaces arginine 15 with proline.
Molecular consequence: missense variant.
Genome position (GRCh38, 1-based): chr1:237,042,565, G>C. VCF-style: chr1-237042565-G-C. GRCh37 (hg19) VCF-style: chr1-237205865-G-C.
Other names: c.44G>C, p.Arg15Pro (LRG_402t1); short protein forms R15P.
Identifiers: ClinVar variation 463600 (VCV000463600.10), dbSNP rs865784613, ClinGen allele CA345654226.

ClinVar aggregate classification (germline): Likely pathogenic (1 of 4 stars; one submission).

Conditions:
Catecholaminergic polymorphic ventricular tachycardia 1. Also called: VENTRICULAR TACHYCARDIA, STRESS-INDUCED POLYMORPHIC 1; VENTRICULAR TACHYCARDIA, CATECHOLAMINERGIC POLYMORPHIC, 1, WITH OR WITHOUT ATRIAL DYSFUNCTION AND/OR DILATED CARDIOMYOPATHY; RYR2-Related Catecholaminergic Polymorphic Ventricular Tachycardia. Identifiers: Orphanet 3286, MedGen C1631597, MONDO:0011484, OMIM 604772.

Submission:

Labcorp Genetics (formerly Invitae), Labcorp
Classification: Likely pathogenic for Catecholaminergic polymorphic ventricular tachycardia 1. Last evaluated: 2025-08-03. Review status: criteria provided, single submitter. Criteria: Invitae Variant Classification Sherloc (09022015). Collection method: clinical testing. Allele origin: germline.
Comment: This sequence change replaces arginine, which is basic and polar, with proline, which is neutral and non-polar, at codon 15 of the RYR2 protein (p.Arg15Pro). This variant is not present in population databases (gnomAD no frequency). This missense change has been observed in individual(s) with autosomal dominant catecholaminergic polymorphic ventricular tachycardia (PMID: 31112425). It has also been observed to segregate with disease in related individuals. ClinVar contains an entry for this variant (Variation ID: 463600). Invitae Evidence Modeling of protein sequence and biophysical properties (such as structural, functional, and spatial information, amino acid conservation, physicochemical variation, residue mobility, and thermodynamic stability) indicates that this missense variant is expected to disrupt RYR2 protein function with a positive predictive value of 95%. Experimental studies have shown that this missense change affects RYR2 function (PMID: 35931078). In summary, the currently available evidence indicates that the variant is pathogenic, but additional data are needed to prove that conclusively. Therefore, this variant has been classified as Likely Pathogenic.

Literature cited by the submitters: PubMed 31112425; PubMed 35931078.